The following is an entry in ClinVar:

NM_024312.5(GNPTAB):c.3700G>A (p.Ala1234Thr)

Gene: GNPTAB (N-acetylglucosamine-1-phosphate transferase subunits alpha and beta; minus strand). Cytogenetic location: 12q23.2.
Variant type: single nucleotide variant.
Coding change: c.3700G>A on transcript NM_024312.5 (MANE Select); coding-DNA position 3700, G replaced by A.
Protein change: p.Ala1234Thr; replaces alanine 1234 with threonine.
Molecular consequence: missense variant.
Genome position (GRCh38, 1-based): chr12:101,747,235, C>T on the plus strand (G>A on the coding strand, the complement: GNPTAB is on the minus strand). VCF-style: chr12-101747235-C-T. GRCh37 (hg19) VCF-style: chr12-102141013-C-T.
Other names: p.Ala1234Thr; short protein forms A1234T.
Identifiers: ClinVar variation 574283 (VCV000574283.15), dbSNP rs373314316, ClinGen allele CA6746057.

ClinVar aggregate classification (germline): Uncertain significance. Review status: criteria provided, multiple submitters, no conflicts (2 of 4 stars). 6 submissions from 6 submitters: Uncertain significance (5). 1 of the submissions does not count toward it. Last evaluated 2026-01-20.

Conditions:
Inborn genetic diseases. Identifiers: MedGen C0950123, MeSH D030342.
Mucolipidosis type II. Also called: Mucolipidosis II Alpha/Beta; ML II ALPHA/BETA; Mucolipidosis 2; ML 2; Inclusion cell disease; Leroy Disease. Identifiers: Orphanet 576, MedGen C2673377, MONDO:0009650, OMIM 252500.
Pseudo-Hurler polydystrophy. Also called: Type III Mucolipidosis; MUCOLIPIDOSIS IIIA; ML IIIA; ML III; ML III ALPHA/BETA; Mucolipidosis III Alpha/Beta. Identifiers: Orphanet 423461, Orphanet 577, MedGen C0033788, MONDO:0018931, OMIM 252600.

Allele frequency attached by ClinVar (database versions not stated): gnomAD exomes 0.00001 and 0.00004; ExAC 0.00006; gnomAD 0.00008 and 0.00010; TOPMed 0.00012.
gnomAD v4.1: 69 of 1,560,096 alleles (0.0044%); highest among the groups gnomAD compares: African/African-American, 0.015%; no homozygotes.

Submissions (6):

Labcorp Genetics (formerly Invitae), Labcorp
Classification: Uncertain significance for Pseudo-Hurler polydystrophy; Mucolipidosis type II. Last evaluated: 2026-01-20. Review status: criteria provided, single submitter. Criteria: Invitae Variant Classification Sherloc (09022015). Collection method: clinical testing. Allele origin: germline.
Comment: This sequence change replaces alanine, which is neutral and non-polar, with threonine, which is neutral and polar, at codon 1234 of the GNPTAB protein (p.Ala1234Thr). The frequency data for this variant in the population databases is considered unreliable, as metrics indicate poor data quality at this position in the gnomAD database. This variant has not been reported in the literature in individuals affected with GNPTAB-related conditions. ClinVar contains an entry for this variant (Variation ID: 574283). Invitae Evidence Modeling of protein sequence and biophysical properties (such as structural, functional, and spatial information, amino acid conservation, physicochemical variation, residue mobility, and thermodynamic stability) indicates that this missense variant is not expected to disrupt GNPTAB protein function with a negative predictive value of 80%. In summary, the available evidence is currently insufficient to determine the role of this variant in disease. Therefore, it has been classified as a Variant of Uncertain Significance.

Ambry Genetics
Classification: Uncertain significance for Inborn genetic diseases. Last evaluated: 2025-08-01. Review status: criteria provided, single submitter. Criteria: Ambry Variant Classification Scheme 2023. Collection method: clinical testing. Allele origin: germline.

Blueprint Genetics
Classification: Uncertain significance. Last evaluated: 2024-11-06. Review status: criteria provided, single submitter. Criteria: ACMG Guidelines, 2015. Collection method: clinical testing. Allele origin: germline.

Mayo Clinic Laboratories, Mayo Clinic
Classification: Uncertain significance. Last evaluated: 2021-07-27. Review status: criteria provided, single submitter. Criteria: ACMG Guidelines, 2015. Collection method: clinical testing. Allele origin: germline.

Fulgent Genetics
Classification: Uncertain significance for Mucolipidosis type II; Pseudo-Hurler polydystrophy. Last evaluated: 2018-10-31. Review status: criteria provided, single submitter. Criteria: ACMG Guidelines, 2015. Collection method: clinical testing. Allele origin: unknown.

Natera, Inc.
Classification: Uncertain significance for Mucolipidosis type II. Last evaluated: 2020-01-24. Review status: no assertion criteria provided. Collection method: clinical testing. Allele origin: germline. Not counted in ClinVar's aggregate classification.